The following is an entry in ClinVar:

ClinVar aggregate classification (germline): Uncertain significance (1 of 4 stars; one submission).

Conditions:
Desmin-related myofibrillar myopathy (MFM1). Also called: Desminopathy; Desmin related myopathy (former name); Desmin storage myopathy (former name); MYOFIBRILLAR MYOPATHY WITH ARRHYTHMOGENIC RIGHT VENTRICULAR CARDIOMYOPATHY; DESMIN-RELATED MYOPATHY WITH ARRHYTHMOGENIC RIGHT VENTRICULAR CARDIOMYOPATHY; Myofibrillar myopathy 1. Identifiers: Orphanet 363543, Orphanet 98909, MedGen C1832370, MONDO:0011076, OMIM 601419.

Submission:

Labcorp Genetics (formerly Invitae), Labcorp
Classification: Uncertain significance for Desmin-related myofibrillar myopathy. Last evaluated: 2021-08-26. Review status: criteria provided, single submitter. Criteria: Invitae Variant Classification Sherloc (09022015). Collection method: clinical testing. Allele origin: germline.
Comment: This sequence change replaces alanine with serine at codon 337 of the DES protein (p.Ala337Ser). The alanine residue is moderately conserved and there is a moderate physicochemical difference between alanine and serine. This variant is not present in population databases (ExAC no frequency). This variant has not been reported in the literature in individuals affected with DES-related conditions. Algorithms developed to predict the effect of missense changes on protein structure and function (SIFT, PolyPhen-2, Align-GVGD) all suggest that this variant is likely to be tolerated. In summary, the available evidence is currently insufficient to determine the role of this variant in disease. Therefore, it has been classified as a Variant of Uncertain Significance.

NM_001927.4(DES):c.1009G>T (p.Ala337Ser)

Gene: DES (desmin; plus strand). Cytogenetic location: 2q35.
Variant type: single nucleotide variant.
Coding change: c.1009G>T on transcript NM_001927.4 (MANE Select); coding-DNA position 1009, G replaced by T.
Protein change: p.Ala337Ser; replaces alanine 337 with serine.
Molecular consequence: missense variant. On other transcripts: intron variant (1).
Genome position (GRCh38, 1-based): chr2:219,420,939, G>T. VCF-style: chr2-219420939-G-T. GRCh37 (hg19) VCF-style: chr2-220285661-G-T.
Other names: c.1006G>T, p.Ala336Ser (NM_001382708.1); c.1009G>T, p.Ala337Ser (NM_001382710.1, NM_001382711.1, NM_001382712.1); c.739G>T, p.Ala247Ser (NM_001382713.1); c.736-545G>T (NM_001382709.1); short protein forms A247S, A336S, A337S.
Identifiers: ClinVar variation 1473035 (VCV001473035.5), dbSNP rs59962885, ClinGen allele CA350693316.